The following is an entry in ClinVar:

ClinVar aggregate classification (germline): Uncertain significance. Review status: criteria provided, multiple submitters, no conflicts (2 of 4 stars). 2 submissions from 2 submitters: Uncertain significance (2). Last evaluated 2026-01-19.

gnomAD v4.1: 9 of 1,587,280 alleles (0.00057%); highest among the groups gnomAD compares: African/African-American, 0.011%; no homozygotes.

Submissions (2):

Labcorp Genetics (formerly Invitae), Labcorp
Classification: Uncertain significance. Last evaluated: 2026-01-19. Review status: criteria provided, single submitter. Criteria: Invitae Variant Classification Sherloc (09022015). Collection method: clinical testing. Allele origin: germline.
Comment: This sequence change replaces valine, which is neutral and non-polar, with leucine, which is neutral and non-polar, at codon 612 of the SULF1 protein (p.Val612Leu). This variant is present in population databases (rs200550270, gnomAD 0.009%). This variant has not been reported in the literature in individuals affected with SULF1-related conditions. ClinVar contains an entry for this variant (Variation ID: 3451202). An algorithm developed to predict the effect of missense changes on protein structure and function (PolyPhen-2) suggests that this variant is likely to be tolerated. In summary, the available evidence is currently insufficient to determine the role of this variant in disease. Therefore, it has been classified as a Variant of Uncertain Significance.

Ambry Genetics
Classification: Uncertain significance. Last evaluated: 2024-07-06. Review status: criteria provided, single submitter. Criteria: Ambry Variant Classification Scheme 2023. Collection method: clinical testing. Allele origin: germline.

NM_001128205.2(SULF1):c.1834G>C (p.Val612Leu)

Gene: SULF1 (sulfatase 1; plus strand). Cytogenetic location: 8q13.3.
Variant type: single nucleotide variant.
Coding change: c.1834G>C on transcript NM_001128205.2 (MANE Select); coding-DNA position 1834, G replaced by C.
Protein change: p.Val612Leu; replaces valine 612 with leucine.
Molecular consequence: missense variant. On other transcripts: non-coding transcript variant (7).
Genome position (GRCh38, 1-based): chr8:69,624,181, G>C. VCF-style: chr8-69624181-G-C. GRCh37 (hg19) VCF-style: chr8-70536416-G-C.
Other names: c.1834G>C, p.Val612Leu (NM_001128204.2, NM_001128206.2, NM_001412828.1 and 9 more transcripts); c.1705G>C, p.Val569Leu (NM_001412832.1, NM_001412838.1, NM_001412839.1 and 1 more transcripts); c.1777G>C, p.Val593Leu (NM_001412836.1, NM_001412837.1); c.1648G>C, p.Val550Leu (NM_001412841.1, NM_001412842.1); c.1234G>C, p.Val412Leu (NM_001412844.1, NM_001412845.1); c.43G>C, p.Val15Leu (NM_001412846.1); short protein forms V15L, V550L, V412L, V569L, V593L, V612L.
Identifiers: ClinVar variation 3451202 (VCV003451202.2).